The following is an entry in ClinVar:

ClinVar aggregate classification (germline): Uncertain significance (1 of 4 stars; one submission).

Allele frequency attached by ClinVar (database versions not stated): gnomAD exomes below 0.00001; TOPMed below 0.00001.
gnomAD v4.1: 7 of 1,612,376 alleles (0.00043%); highest among the groups gnomAD compares: Admixed American, 0.0017%; no homozygotes.

Submission:

Labcorp Genetics (formerly Invitae), Labcorp
Classification: Uncertain significance. Last evaluated: 2022-07-05. Review status: criteria provided, single submitter. Criteria: Invitae Variant Classification Sherloc (09022015). Collection method: clinical testing. Allele origin: germline.
Comment: This sequence change replaces valine, which is neutral and non-polar, with alanine, which is neutral and non-polar, at codon 1602 of the ITGB4 protein (p.Val1602Ala). This variant is present in population databases (no rsID available, gnomAD 0.006%). This variant has not been reported in the literature in individuals affected with ITGB4-related conditions. Algorithms developed to predict the effect of missense changes on protein structure and function are either unavailable or do not agree on the potential impact of this missense change (SIFT: "Not Available"; PolyPhen-2: "Benign"; Align-GVGD: "Not Available"). In summary, the available evidence is currently insufficient to determine the role of this variant in disease. Therefore, it has been classified as a Variant of Uncertain Significance.

NM_000213.5(ITGB4):c.5015T>C (p.Val1672Ala)

Genes: GALK1 (galactokinase 1; minus strand), ITGB4 (integrin subunit beta 4; plus strand). Cytogenetic location: 17q25.1.
Variant type: single nucleotide variant.
Coding change: c.5015T>C on transcript NM_000213.5 (MANE Select); coding-DNA position 5015, T replaced by C.
Protein change: p.Val1672Ala; replaces valine 1672 with alanine.
Molecular consequence: missense variant. On other transcripts: intron variant (1).
Genome position (GRCh38, 1-based): chr17:75,756,821, T>C. VCF-style: chr17-75756821-T-C. GRCh37 (hg19) VCF-style: chr17-73752902-T-C.
Other names: c.4964T>C, p.Val1655Ala (NM_001005619.2); c.4805T>C, p.Val1602Ala (NM_001005731.3, NM_001321123.2); c.4655T>C, p.Val1552Ala (NM_001438834.1); c.*22+1213A>G (NM_001381985.1); short protein forms V1602A, V1655A, V1672A, V1552A.
Identifiers: ClinVar variation 1907327 (VCV001907327.2), dbSNP rs1468350966, ClinGen allele CA401091202.